The following is an entry in ClinVar:

ClinVar aggregate classification (germline): Uncertain significance. Review status: criteria provided, multiple submitters, no conflicts (2 of 4 stars). 2 submissions from 2 submitters: Uncertain significance (2). Last evaluated 2024-04-06.

Conditions:
Hereditary cancer-predisposing syndrome. Also called: Neoplastic Syndromes, Hereditary; Tumor predisposition; Hereditary Cancer Syndrome; Hereditary neoplastic syndrome. Identifiers: Orphanet 140162, MedGen C0027672, MeSH D009386, MONDO:0015356.
Fanconi anemia complementation group J. Also called: BRIP1-Related Fanconi Anemia. Identifiers: Orphanet 84, MedGen C1836860, MONDO:0012187, OMIM 609054.
Familial cancer of breast. Also called: Hereditary breast cancer; BREAST CANCER, FAMILIAL; hereditary breast carcinoma. Identifiers: Orphanet 227535, MedGen C0346153, MONDO:0016419, OMIM 114480. Disease mechanism: loss of function.

Submissions (2):

Ambry Genetics
Classification: Uncertain significance for Hereditary cancer-predisposing syndrome. Last evaluated: 2024-04-06. Review status: criteria provided, single submitter. Criteria: Ambry Variant Classification Scheme 2023. Collection method: clinical testing. Allele origin: germline.
Comment: The p.K234T variant (also known as c.701A>C), located in coding exon 6 of the BRIP1 gene, results from an A to C substitution at nucleotide position 701. The lysine at codon 234 is replaced by threonine, an amino acid with similar properties. This amino acid position is conserved. In addition, the in silico prediction for this alteration is inconclusive. Based on the available evidence, the clinical significance of this variant remains unclear.

Labcorp Genetics (formerly Invitae), Labcorp
Classification: Uncertain significance for Familial cancer of breast; Fanconi anemia complementation group J. Last evaluated: 2021-12-11. Review status: criteria provided, single submitter. Criteria: Invitae Variant Classification Sherloc (09022015). Collection method: clinical testing. Allele origin: germline.
Comment: ClinVar contains an entry for this variant (Variation ID: 566343). This variant has not been reported in the literature in individuals affected with BRIP1-related conditions. This variant is not present in population databases (gnomAD no frequency). This sequence change replaces lysine, which is basic and polar, with threonine, which is neutral and polar, at codon 234 of the BRIP1 protein (p.Lys234Thr). Algorithms developed to predict the effect of missense changes on protein structure and function are either unavailable or do not agree on the potential impact of this missense change (SIFT: "Tolerated"; PolyPhen-2: "Possibly Damaging"; Align-GVGD: "Class C0"). In summary, the available evidence is currently insufficient to determine the role of this variant in disease. Therefore, it has been classified as a Variant of Uncertain Significance.

NM_032043.3(BRIP1):c.701A>C (p.Lys234Thr)

Gene: BRIP1 (BRCA1 interacting DNA helicase 1; minus strand). Cytogenetic location: 17q23.2.
Variant type: single nucleotide variant.
Coding change: c.701A>C on transcript NM_032043.3 (MANE Select); coding-DNA position 701, A replaced by C.
Protein change: p.Lys234Thr; replaces lysine 234 with threonine.
Molecular consequence: missense variant.
Genome position (GRCh38, 1-based): chr17:61,808,684, T>G on the plus strand (A>C on the coding strand, the complement: BRIP1 is on the minus strand). VCF-style: chr17-61808684-T-G. GRCh37 (hg19) VCF-style: chr17-59886045-T-G.
Other names: short protein forms K234T.
Identifiers: ClinVar variation 566343 (VCV000566343.8), dbSNP rs587780834, ClinGen allele CA400485099.